The following is an entry in ClinVar:

NM_000090.4(COL3A1):c.2773G>A (p.Asp925Asn)

Gene: COL3A1 (collagen type III alpha 1 chain; plus strand). Cytogenetic location: 2q32.2.
Variant type: single nucleotide variant.
Coding change: c.2773G>A on transcript NM_000090.4 (MANE Select); coding-DNA position 2773, G replaced by A.
Protein change: p.Asp925Asn; replaces aspartic acid 925 with asparagine.
Molecular consequence: missense variant.
Genome position (GRCh38, 1-based): chr2:189,004,093, G>A. VCF-style: chr2-189004093-G-A. GRCh37 (hg19) VCF-style: chr2-189868819-G-A.
Other names: short protein forms D925N.
Identifiers: ClinVar variation 519595 (VCV000519595.20), dbSNP rs929526823, ClinGen allele CA62557441.

ClinVar aggregate classification (germline): Uncertain significance. Review status: criteria provided, multiple submitters, no conflicts (2 of 4 stars). 7 submissions from 7 submitters: Uncertain significance (6). 1 of the submissions does not count toward it. Last evaluated 2026-04-02.

Conditions:
COL3A1-related disorder. Also called: COL3A1-related condition.
Ehlers-Danlos syndrome, type 4 (EDSVASC). Also called: Ehlers-Danlos syndrome vascular type; Ehlers Danlos syndrome, ecchymotic type; Ehlers Danlos syndrome, arterial type; Ehlers Danlos syndrome, Sack-Barabas type; Ehlers-Danlos Syndrome Type IV. Identifiers: Orphanet 286, MedGen C0268338, MONDO:0017314, OMIM 130050.
Polymicrogyria with or without vascular-type Ehlers-Danlos syndrome. Identifiers: Orphanet 636941, MedGen C5193040, MONDO:0032688, OMIM 618343.
Familial thoracic aortic aneurysm and aortic dissection (TAAD). Also called: Thoracic aortic aneurysms and dissections. Identifiers: Orphanet 91387, MedGen C4707243, MONDO:0019625.

Allele frequency attached by ClinVar (database versions not stated): gnomAD exomes below 0.00001; gnomAD 0.00001.
gnomAD v4.1: 4 of 1,613,654 alleles (0.00025%); highest among the groups gnomAD compares: Non-Finnish European, 0.00034%; no homozygotes.

Submissions (7):

Ambry Genetics
Classification: Uncertain significance for Familial thoracic aortic aneurysm and aortic dissection. Last evaluated: 2026-04-02. Review status: criteria provided, single submitter. Criteria: Ambry Variant Classification Scheme 2023. Collection method: clinical testing. Allele origin: germline.

Labcorp Genetics (formerly Invitae), Labcorp
Classification: Uncertain significance for Ehlers-Danlos syndrome, type 4. Last evaluated: 2025-12-03. Review status: criteria provided, single submitter. Criteria: Invitae Variant Classification Sherloc (09022015). Collection method: clinical testing. Allele origin: germline.
Comment: This sequence change replaces aspartic acid, which is acidic and polar, with asparagine, which is neutral and polar, at codon 925 of the COL3A1 protein (p.Asp925Asn). This variant is present in population databases (no rsID available, gnomAD 0.007%). This variant has not been reported in the literature in individuals affected with COL3A1-related conditions. ClinVar contains an entry for this variant (Variation ID: 519595). Invitae Evidence Modeling of protein sequence and biophysical properties (such as structural, functional, and spatial information, amino acid conservation, physicochemical variation, residue mobility, and thermodynamic stability) indicates that this missense variant is not expected to disrupt COL3A1 protein function with a negative predictive value of 95%. In summary, the available evidence is currently insufficient to determine the role of this variant in disease. Therefore, it has been classified as a Variant of Uncertain Significance.

All of Us Research Program, National Institutes of Health
Classification: Uncertain significance for Ehlers-Danlos syndrome, type 4. Last evaluated: 2024-09-23. Review status: criteria provided, single submitter. Criteria: ACMG Guidelines, 2015. Collection method: clinical testing. Allele origin: germline. Inheritance: Autosomal dominant inheritance. Observed: 4 variant alleles, 4 heterozygotes.
Comment: This missense variant replaces aspartic acid with asparagine at codon 925 of the COL3A1 protein. Computational prediction suggests that this variant may not impact protein structure and function (internally defined REVEL score threshold <= 0.5, PMID: 27666373). To our knowledge, functional studies have not been reported for this variant. This variant has not been reported in individuals affected with cardiovascular disorders in the literature. This variant has been identified in 1/31392 chromosomes in the general population by the Genome Aggregation Database (gnomAD). The available evidence is insufficient to determine the role of this variant in disease conclusively. Therefore, this variant is classified as a Variant of Uncertain Significance.

This study involves interpretation of variants in research participants for the purpose of population health screening. Participant phenotype was not available at the time of variant classification. Additional details can be found in publication PMID: 35346344, PMCID: PMC8962531

Color Diagnostics, LLC DBA Color Health
Classification: Uncertain significance for Familial thoracic aortic aneurysm and aortic dissection. Last evaluated: 2024-03-06. Review status: criteria provided, single submitter. Criteria: ACMG Guidelines, 2015. Collection method: clinical testing. Allele origin: germline.
Comment: This missense variant replaces aspartic acid with asparagine at codon 925 of the COL3A1 protein. Computational prediction suggests that this variant may not impact protein structure and function. To our knowledge, functional studies have not been reported for this variant. This variant has not been reported in individuals affected with cardiovascular disorders in the literature. This variant has been identified in 1/31392 chromosomes in the general population by the Genome Aggregation Database (gnomAD). The available evidence is insufficient to determine the role of this variant in disease conclusively. Therefore, this variant is classified as a Variant of Uncertain Significance.

GeneDx
Classification: Uncertain significance. Last evaluated: 2022-09-14. Review status: criteria provided, single submitter. Criteria: GeneDx Variant Classification Process June 2021. Collection method: clinical testing. Allele origin: germline. Affected: yes.
Comment: Not observed at significant frequency in large population cohorts (gnomAD); In silico analysis supports that this missense variant does not alter protein structure/function; Occurs in the triple helical domain at the X position in the canonical Gly-X-Y repeat; although this variant may have an effect on normal protein folding and function, missense substitution at the X position is not a common mechanism of disease (HGMD); Has not been previously published as pathogenic or benign to our knowledge

Fulgent Genetics
Classification: Uncertain significance for Ehlers-Danlos syndrome, type 4; Polymicrogyria with or without vascular-type Ehlers-Danlos syndrome. Last evaluated: 2021-11-04. Review status: criteria provided, single submitter. Criteria: ACMG Guidelines, 2015. Collection method: clinical testing. Allele origin: unknown.

PreventionGenetics, part of Exact Sciences
Classification: Uncertain significance for COL3A1-related condition. Last evaluated: 2024-03-08. Review status: no assertion criteria provided. Collection method: clinical testing. Allele origin: germline. Not counted in ClinVar's aggregate classification.
Comment: The COL3A1 c.2773G>A variant is predicted to result in the amino acid substitution p.Asp925Asn. To our knowledge, this variant has not been reported in the literature. This variant is reported in 0.0065% of alleles in individuals of European (Non-Finnish) descent in gnomAD. At this time, the clinical significance of this variant is uncertain due to the absence of conclusive functional and genetic evidence.